The following is an entry in ClinVar:

NM_005245.4(FAT1):c.11022G>C (p.Arg3674Ser)

Genes: FAT1 (FAT atypical cadherin 1; minus strand), LOC126807254 (BRD4-independent group 4 enhancer GRCh37_chr4:187524269-187525468; plus strand). Cytogenetic location: 4q35.2.
Variant type: single nucleotide variant.
Coding change: c.11022G>C on transcript NM_005245.4 (MANE Select); coding-DNA position 11022, G replaced by C.
Protein change: p.Arg3674Ser; replaces arginine 3674 with serine.
Molecular consequence: missense variant.
Genome position (GRCh38, 1-based): chr4:186,603,504, C>G on the plus strand (G>C on the coding strand, the complement: FAT1 is on the minus strand). VCF-style: chr4-186603504-C-G. GRCh37 (hg19) VCF-style: chr4-187524658-C-G.
Other names: short protein forms R3674S.
Identifiers: ClinVar variation 2170546 (VCV002170546.2), dbSNP rs73030811, ClinGen allele CA3165202.

ClinVar aggregate classification (germline): Uncertain significance (1 of 4 stars; one submission).

Allele frequency attached by ClinVar (database versions not stated): ESP Exome Variant Server 0.00016; 1000 Genomes Project 0.00040; 1000 Genomes Project 30x 0.00062.
gnomAD v4.1: 82 of 1,613,968 alleles (0.0051%); highest among the groups gnomAD compares: African/African-American, 0.1%; no homozygotes.

Submission:

Labcorp Genetics (formerly Invitae), Labcorp
Classification: Uncertain significance. Last evaluated: 2025-06-12. Review status: criteria provided, single submitter. Criteria: Invitae Variant Classification Sherloc (09022015). Collection method: clinical testing. Allele origin: germline.
Comment: This sequence change replaces arginine, which is basic and polar, with serine, which is neutral and polar, at codon 3674 of the FAT1 protein (p.Arg3674Ser). This variant is present in population databases (rs73030811, gnomAD 0.08%). This missense change has been observed in individual(s) with FAT1-related conditions (PMID: 31308072). ClinVar contains an entry for this variant (Variation ID: 2170546). An algorithm developed to predict the effect of missense changes on protein structure and function (PolyPhen-2) suggests that this variant is likely to be disruptive. In summary, the available evidence is currently insufficient to determine the role of this variant in disease. Therefore, it has been classified as a Variant of Uncertain Significance.

Literature cited by the submitters: PubMed 31308072.